The following is an entry in ClinVar:

ClinVar aggregate classification (germline): Uncertain significance (1 of 4 stars; one submission).

Submission:

Labcorp Genetics (formerly Invitae), Labcorp
Classification: Uncertain significance. Last evaluated: 2025-03-18. Review status: criteria provided, single submitter. Criteria: Invitae Variant Classification Sherloc (09022015). Collection method: clinical testing. Allele origin: germline.
Comment: This sequence change replaces proline, which is neutral and non-polar, with serine, which is neutral and polar, at codon 157 of the HMX1 protein (p.Pro157Ser). This variant is not present in population databases (gnomAD no frequency). This variant has not been reported in the literature in individuals affected with HMX1-related conditions. ClinVar contains an entry for this variant (Variation ID: 1919761). Invitae Evidence Modeling of protein sequence and biophysical properties (such as structural, functional, and spatial information, amino acid conservation, physicochemical variation, residue mobility, and thermodynamic stability) indicates that this missense variant is not expected to disrupt HMX1 protein function with a negative predictive value of 80%. In summary, the available evidence is currently insufficient to determine the role of this variant in disease. Therefore, it has been classified as a Variant of Uncertain Significance.

NM_018942.3(HMX1):c.469C>T (p.Pro157Ser)

Gene: HMX1 (H6 family homeobox 1; minus strand). Cytogenetic location: 4p16.1.
Variant type: single nucleotide variant.
Coding change: c.469C>T on transcript NM_018942.3 (MANE Select); coding-DNA position 469, C replaced by T.
Protein change: p.Pro157Ser; replaces proline 157 with serine.
Molecular consequence: missense variant. On other transcripts: intron variant (1).
Genome position (GRCh38, 1-based): chr4:8,868,271, G>A on the plus strand (C>T on the coding strand, the complement: HMX1 is on the minus strand). VCF-style: chr4-8868271-G-A. GRCh37 (hg19) VCF-style: chr4-8869997-G-A.
Other names: c.394+2950C>T (NM_001306142.2); short protein forms P157S.
Identifiers: ClinVar variation 1919761 (VCV001919761.5), dbSNP rs1187370823, ClinGen allele CA356278538.